The following is an entry in ClinVar:

NM_002435.3(MPI):c.122del (p.Ala41fs)

Gene: MPI (mannose phosphate isomerase; plus strand). Cytogenetic location: 15q24.1.
Variant type: Deletion.
Coding change: c.122del on transcript NM_002435.3 (MANE Select); coding-DNA position 122, one base deleted (C; older notation c.122delC).
Protein change: p.Ala41fs; shifts the reading frame from alanine 41.
Molecular consequence: frameshift variant. On other transcripts: intron variant (1).
Genome position (GRCh38, 1-based): chr15:74,890,632, C deleted. VCF-style (leftmost placement, unchanged base first): chr15-74890631-GC-G. GRCh37 (hg19) VCF-style: chr15-75182972-GC-G.
Other names: c.122del, p.Ala41fs (NM_001289155.2, NM_001289157.2); c.62del, p.Ala21fs (NM_001330372.2); c.-7+543del (NM_001289156.2); short protein forms A41fs, A21fs.
Identifiers: ClinVar variation 3016439 (VCV003016439.3), dbSNP rs2505811515, ClinGen allele CA2629527627.
Genomic context (GRCh38, chr15:74,890,631, plus strand): 5'-ATGGGTTCCAACAGCGAAGTGGCGCGGCTGTTGGCCAGCAGTGATCCACTGGCCCAGATC[GC>G]AGAGGACAAGCCTTATGCAGAGGTGAGCCCCGGGCTGTATTTCAGCCCACTTTACCCGCA-3'

ClinVar aggregate classification (germline): Pathogenic (1 of 4 stars; one submission).

Conditions:
MPI-congenital disorder of glycosylation. Also called: CDG Ib; MANNOSEPHOSPHATE ISOMERASE DEFICIENCY; PROTEIN-LOSING ENTEROPATHY-HEPATIC FIBROSIS SYNDROME; MPI-CDG; MPI DEFICIENCY; CONGENITAL DISORDER OF GLYCOSYLATION, TYPE Ib. Identifiers: Orphanet 79319, MedGen C1865145, MONDO:0011257, OMIM 602579.

Allele frequency attached by ClinVar (database versions not stated): gnomAD exomes below 0.00001.

Submission:

Labcorp Genetics (formerly Invitae), Labcorp
Classification: Pathogenic for MPI-congenital disorder of glycosylation. Last evaluated: 2022-12-31. Review status: criteria provided, single submitter. Criteria: Invitae Variant Classification Sherloc (09022015). Collection method: clinical testing. Allele origin: germline.
Comment: For these reasons, this variant has been classified as Pathogenic. This variant has not been reported in the literature in individuals affected with MPI-related conditions. This variant is not present in population databases (gnomAD no frequency). This sequence change creates a premature translational stop signal (p.Ala41Glufs*31) in the MPI gene. It is expected to result in an absent or disrupted protein product. Loss-of-function variants in MPI are known to be pathogenic (PMID: 19862844).

Literature cited by the submitters: PubMed 19862844.